The following is an entry in ClinVar:

ClinVar aggregate classification (germline): Uncertain significance (1 of 4 stars; one submission).

Submission:

CeGaT Center for Human Genetics Tuebingen
Classification: Uncertain significance. Last evaluated: 2022-06-01. Review status: criteria provided, single submitter. Criteria: CeGaT Center For Human Genetics Tuebingen Variant Classification Criteria Version 2. Collection method: clinical testing. Allele origin: germline. Affected: yes. Observed: 1 variant allele.
Comment: SCN8A: PM2, PP2

NM_001330260.2(SCN8A):c.3487G>A (p.Glu1163Lys)

Gene: SCN8A (sodium voltage-gated channel alpha subunit 8; plus strand). Cytogenetic location: 12q13.13.
Variant type: single nucleotide variant.
Coding change: c.3487G>A on transcript NM_001330260.2 (MANE Select); coding-DNA position 3487, G replaced by A.
Protein change: p.Glu1163Lys; replaces glutamic acid 1163 with lysine.
Molecular consequence: missense variant.
Genome position (GRCh38, 1-based): chr12:51,769,982, G>A. VCF-style: chr12-51769982-G-A. GRCh37 (hg19) VCF-style: chr12-52163766-G-A.
Other names: c.3487G>A, p.Glu1163Lys (NM_001177984.3, NM_001369788.1, NM_014191.4); short protein forms E1163K.
Identifiers: ClinVar variation 1694667 (VCV001694667.31), dbSNP rs1555226298, ClinGen allele CA384895730.
Genomic context (GRCh38, chr12:51,769,982, plus strand): 5'-GTAGAAGAGGTCCCTGTGGAACAGCCTGAGGAATACTTGGATCCAGATGCCTGCTTCACA[G>A]AAGGTGAAAGGGGATGAGGAGCGGATGGGCTGGGGACACTCGTGTTGCTCACAGACACAG-3'
Protein context (NP_001317189.1, residues 1153-1173): EYLDPDACFT[Glu1163Lys]GCVQRFKCCQ